The following is an entry in ClinVar:

NM_001085487.3(MYSM1):c.1360G>A (p.Glu454Lys)

Gene: MYSM1 (Myb like, SWIRM and MPN domains 1; minus strand). Cytogenetic location: 1p32.1.
Variant type: single nucleotide variant.
Coding change: c.1360G>A on transcript NM_001085487.3 (MANE Select); coding-DNA position 1360, G replaced by A.
Protein change: p.Glu454Lys; replaces glutamic acid 454 with lysine.
Molecular consequence: missense variant.
Genome position (GRCh38, 1-based): chr1:58,676,956, C>T on the plus strand (G>A on the coding strand, the complement: MYSM1 is on the minus strand). VCF-style: chr1-58676956-C-T. GRCh37 (hg19) VCF-style: chr1-59142628-C-T.
Other names: short protein forms E454K.
Identifiers: ClinVar variation 1430001 (VCV001430001.8), dbSNP rs749256385, ClinGen allele CA877845.

ClinVar aggregate classification (germline): Uncertain significance (1 of 4 stars; one submission).

Allele frequency attached by ClinVar (database versions not stated): gnomAD 0.00001; TOPMed 0.00001; ExAC 0.00002.
gnomAD v4.1: 8 of 1,611,756 alleles (0.0005%); highest among the groups gnomAD compares: African/African-American, 0.0027%; no homozygotes.

Submission:

Labcorp Genetics (formerly Invitae), Labcorp
Classification: Uncertain significance. Last evaluated: 2022-01-14. Review status: criteria provided, single submitter. Criteria: Invitae Variant Classification Sherloc (09022015). Collection method: clinical testing. Allele origin: germline.
Comment: In summary, the available evidence is currently insufficient to determine the role of this variant in disease. Therefore, it has been classified as a Variant of Uncertain Significance. Algorithms developed to predict the effect of missense changes on protein structure and function are either unavailable or do not agree on the potential impact of this missense change (SIFT: "Tolerated"; PolyPhen-2: "Probably Damaging"; Align-GVGD: "Class C0"). This variant has not been reported in the literature in individuals affected with MYSM1-related conditions. This variant is present in population databases (rs749256385, gnomAD 0.008%). This sequence change replaces glutamic acid, which is acidic and polar, with lysine, which is basic and polar, at codon 454 of the MYSM1 protein (p.Glu454Lys).